The following is an entry in ClinVar:

NM_206933.4(USH2A):c.3252G>T (p.Trp1084Cys)

Genes: USH2A (usherin; minus strand), USH2A-AS1 (USH2A antisense RNA 1; plus strand). Cytogenetic location: 1q41.
Variant type: single nucleotide variant.
Coding change: c.3252G>T on transcript NM_206933.4 (MANE Select); coding-DNA position 3252, G replaced by T.
Protein change: p.Trp1084Cys; replaces tryptophan 1084 with cysteine.
Molecular consequence: missense variant.
Genome position (GRCh38, 1-based): chr1:216,207,337, C>A on the plus strand (G>T on the coding strand, the complement: USH2A is on the minus strand). VCF-style: chr1-216207337-C-A. GRCh37 (hg19) VCF-style: chr1-216380679-C-A.
Other names: c.3252G>T, p.Trp1084Cys (NM_007123.6); short protein forms W1084C.
Identifiers: ClinVar variation 841660 (VCV000841660.10), dbSNP rs200289497, ClinGen allele CA1396046.
Genomic context (GRCh38, chr1:216,207,337, plus strand): 5'-TGGGTATTGATCCTCTGTTGTGTAGATTTCAAAACCATCCCTGAGTAAACTGTAAGTAAG[C>A]CAGTGGGCATTTGGAGAATCAGGTGGACTCCAGGAGAGATTGATAGCAGAAGAACTTTGA-3'
Protein context (NP_996816.3, residues 1074-1094): WSPPDSPNAH[Trp1084Cys]LTYSLLRDGF

ClinVar aggregate classification (germline): Uncertain significance. Review status: criteria provided, multiple submitters, no conflicts (2 of 4 stars). 7 submissions from 6 submitters: Uncertain significance (6). 1 of the submissions does not count toward it. Last evaluated 2026-08-21.

Conditions:
Retinitis pigmentosa 39 (RP39). Identifiers: Orphanet 791, MedGen C3151138, MONDO:0013436, OMIM 613809.
Usher syndrome type 2A. Also called: RETINAL DISEASE IN USHER SYNDROME TYPE IIA, MODIFIER OF; USHER SYNDROME, TYPE IIA. Identifiers: Orphanet 231178, Orphanet 886, MedGen C1848634, MONDO:0010169, OMIM 276901.
Inborn genetic diseases. Identifiers: MedGen C0950123, MeSH D030342.

Allele frequency attached by ClinVar (database versions not stated): ExAC 0.00007; ESP Exome Variant Server 0.00008; gnomAD exomes 0.00009 and 0.00019; gnomAD 0.00013 and 0.00014; TOPMed 0.00018.
gnomAD v4.1: 295 of 1,613,782 alleles (0.018%); highest among the groups gnomAD compares: Non-Finnish European, 0.024%; no homozygotes.

Submissions (7):

GeneDx
Classification: Uncertain significance. Last evaluated: 2026-08-21. Review status: criteria provided, single submitter. Criteria: GeneDx Variant Classification Process June 2021. Collection method: clinical testing. Allele origin: germline.
Comment: In silico analysis suggests that this missense variant does not alter protein structure/function; Has not been previously published as pathogenic or benign to our knowledge

Ambry Genetics
Classification: Uncertain significance for Inborn genetic diseases. Last evaluated: 2024-07-02. Review status: criteria provided, single submitter. Criteria: Ambry Variant Classification Scheme 2023. Collection method: clinical testing. Allele origin: germline.

Blueprint Genetics
Classification: Uncertain significance. Last evaluated: 2023-12-08. Review status: criteria provided, single submitter. Criteria: ACMG Guidelines, 2015. Collection method: clinical testing. Allele origin: germline.

Genome-Nilou Lab
Classification: Uncertain significance for Retinitis pigmentosa 39. Last evaluated: 2023-11-04. Review status: criteria provided, single submitter. Criteria: ACMG Guidelines, 2015. Collection method: clinical testing. Allele origin: germline. Affected: no.

Genome-Nilou Lab
Classification: Uncertain significance for Usher syndrome type 2A. Last evaluated: 2023-11-04. Review status: criteria provided, single submitter. Criteria: ACMG Guidelines, 2015. Collection method: clinical testing. Allele origin: germline. Affected: no.

Labcorp Genetics (formerly Invitae), Labcorp
Classification: Uncertain significance. Last evaluated: 2022-10-13. Review status: criteria provided, single submitter. Criteria: Invitae Variant Classification Sherloc (09022015). Collection method: clinical testing. Allele origin: germline.
Comment: This sequence change replaces tryptophan, which is neutral and slightly polar, with cysteine, which is neutral and slightly polar, at codon 1084 of the USH2A protein (p.Trp1084Cys). This variant is present in population databases (rs200289497, gnomAD 0.02%). This missense change has been observed in individual(s) with clinical features of USH2A-related conditions (Invitae). ClinVar contains an entry for this variant (Variation ID: 841660). Advanced modeling of protein sequence and biophysical properties (such as structural, functional, and spatial information, amino acid conservation, physicochemical variation, residue mobility, and thermodynamic stability) performed at Invitae indicates that this missense variant is not expected to disrupt USH2A protein function. In summary, the available evidence is currently insufficient to determine the role of this variant in disease. Therefore, it has been classified as a Variant of Uncertain Significance.

Natera, Inc.
Classification: Uncertain significance for Usher syndrome type 2A. Last evaluated: 2020-01-17. Review status: no assertion criteria provided. Collection method: clinical testing. Allele origin: germline. Not counted in ClinVar's aggregate classification.